The following is an entry in ClinVar:

NM_003001.5(SDHC):c.424G>A (p.Gly142Ser)

Gene: SDHC (succinate dehydrogenase complex subunit C; plus strand). Cytogenetic location: 1q23.3.
Variant type: single nucleotide variant.
Coding change: c.424G>A on transcript NM_003001.5 (MANE Select); coding-DNA position 424, G replaced by A.
Protein change: p.Gly142Ser; replaces glycine 142 with serine.
Molecular consequence: missense variant. On other transcripts: non-coding transcript variant (1).
Genome position (GRCh38, 1-based): chr1:161,362,347, G>A. VCF-style: chr1-161362347-G-A. GRCh37 (hg19) VCF-style: chr1-161332137-G-A.
Other names: c.158G>A, p.Arg53Lys (NM_001278172.3); c.544G>A, p.Gly182Ser (NM_001407115.1); c.367G>A, p.Gly123Ser (NM_001407116.1); c.361G>A, p.Gly121Ser (NM_001407117.1); c.316G>A, p.Gly106Ser (NM_001407118.1); c.313G>A, p.Gly105Ser (NM_001407119.1, NM_001407120.1); c.203G>A, p.Arg68Lys (NM_001407121.1); c.260G>A, p.Arg87Lys (NM_001035511.3); and 2 more; short protein forms G108S, R87K, G105S, G106S, G123S, G142S, G89S, G121S.
Identifiers: ClinVar variation 3438788 (VCV003438788.3).

ClinVar aggregate classification (germline): Uncertain significance. Review status: criteria provided, multiple submitters, no conflicts (2 of 4 stars). 2 submissions from 2 submitters: Uncertain significance (2). Last evaluated 2026-07-30.

Conditions:
Hereditary cancer-predisposing syndrome. Also called: Tumor predisposition; Hereditary Cancer Syndrome; Hereditary neoplastic syndrome; Neoplastic Syndromes, Hereditary. Identifiers: Orphanet 140162, MedGen C0027672, MeSH D009386, MONDO:0015356.
Pheochromocytoma/paraganglioma syndrome 3. Also called: GLOMUS TUMORS, FAMILIAL, 3; Paragangliomas 3; SDHC-Related Hereditary Paraganglioma-Pheochromocytoma Syndrome (Paragangliomas 3); SDHC-Related Hereditary Paraganglioma-Pheochromocytoma Syndrome. Identifiers: Orphanet 29072, MedGen C1854336, MONDO:0011544, OMIM 605373.

Submissions (2):

Ambry Genetics
Classification: Uncertain significance for Hereditary cancer-predisposing syndrome. Last evaluated: 2026-07-30. Review status: criteria provided, single submitter. Criteria: Ambry Variant Classification Scheme 2023. Collection method: clinical testing. Allele origin: germline.
Comment: The p.G142S variant (also known as c.424G>A), located in coding exon 6 of the SDHC gene, results from a G to A substitution at nucleotide position 424. The glycine at codon 142 is replaced by serine, an amino acid with similar properties. This amino acid position is highly conserved in available vertebrate species. In addition, this alteration is predicted to be deleterious by in silico analysis. Based on the available evidence, the clinical significance of this variant remains unclear.

Molecular Pathology, Peter Maccallum Cancer Centre
Classification: Uncertain significance for Pheochromocytoma/paraganglioma syndrome 3. Last evaluated: 2024-11-01. Review status: criteria provided, single submitter. Criteria: ACMG Guidelines, 2015. Collection method: clinical testing. Allele origin: germline. Inheritance: Autosomal dominant inheritance.